The following is an entry in ClinVar:

NM_000143.4(FH):c.1251dup (p.His418fs)

Gene: FH (fumarate hydratase; minus strand). Cytogenetic location: 1q43.
Variant type: Duplication.
Coding change: c.1251dup on transcript NM_000143.4 (MANE Select); coding-DNA position 1251, one base duplicated (A; older notation c.1251dupA).
Protein change: p.His418fs; shifts the reading frame from histidine 418.
Molecular consequence: frameshift variant.
Genome position (GRCh38, 1-based): chr1:241,500,576, T duplicated on the plus strand (A on the coding strand, the reverse complement: FH is on the minus strand). VCF-style (leftmost placement, unchanged base first): chr1-241500575-G-GT. GRCh37 (hg19) VCF-style: chr1-241663875-G-GT.
Other names: c.1251dupA (NM_000143.3); short protein forms H418fs.
Identifiers: ClinVar variation 460337 (VCV000460337.9), dbSNP rs1553340708, ClinGen allele CA658656998.

ClinVar aggregate classification (germline): Pathogenic (1 of 4 stars; one submission).

Submission:

Labcorp Genetics (formerly Invitae), Labcorp
Classification: Pathogenic. Last evaluated: 2018-05-23. Review status: criteria provided, single submitter. Criteria: Invitae Variant Classification Sherloc (09022015). Collection method: clinical testing. Allele origin: germline.
Comment: In addition, a missense substitution at codon 419 (p.Ser419Pro) has been determined to be likely pathogenic (PMID: 16597677, 15937070). This suggests that the serine residue, which is disrupted by this frameshift variant, is critical for FH protein function and that other substitutions at this position may also be pathogenic. This sequence change results in a premature translational stop signal in the FH gene (p.His418Thrfs*34). While this is not anticipated to result in nonsense mediated decay, it is expected to disrupt the last 92 amino acid residues of the FH protein. This variant is not present in population databases (ExAC no frequency). This variant disrupts the last 92 amino acid residues (His418-Lys510) of the full-length FH protein. While this particular variant has not been reported in the literature, a downstream truncating variant (p.Trp500*) deleting the last 11 amino acids has been observed in an individual with fumarate hydratase deficiency (PMID: 9635293, 20549362). It was also shown to segregate with disease in a large family with hereditary leiomyomatosis and renal cell cancer (HLRCC) (PMID: 21398687). This suggests that C-terminal truncation of FH is deleterious to protein function and may be pathogenic. For these reasons, this variant has been classified as Pathogenic.

Literature cited by the submitters: PubMed 16597677; PubMed 15937070; PubMed 9635293; PubMed 20549362; PubMed 21398687.